The following is an entry in ClinVar:

ClinVar aggregate classification (germline): Uncertain significance (1 of 4 stars; one submission).

Allele frequency attached by ClinVar (database versions not stated): gnomAD 0.00002; TOPMed 0.00002.

Submission:

Labcorp Genetics (formerly Invitae), Labcorp
Classification: Uncertain significance. Last evaluated: 2026-01-05. Review status: criteria provided, single submitter. Criteria: Invitae Variant Classification Sherloc (09022015). Collection method: clinical testing. Allele origin: germline.
Comment: This sequence change replaces glycine, which is neutral and non-polar, with valine, which is neutral and non-polar, at codon 70 of the ARID1A protein (p.Gly70Val). This variant is not present in population databases (gnomAD no frequency). This variant has not been reported in the literature in individuals affected with ARID1A-related conditions. ClinVar contains an entry for this variant (Variation ID: 1487863). Invitae Evidence Modeling of protein sequence and biophysical properties (such as structural, functional, and spatial information, amino acid conservation, physicochemical variation, residue mobility, and thermodynamic stability) indicates that this missense variant is not expected to disrupt ARID1A protein function with a negative predictive value of 95%. In summary, the available evidence is currently insufficient to determine the role of this variant in disease. Therefore, it has been classified as a Variant of Uncertain Significance.

NM_006015.6(ARID1A):c.209G>T (p.Gly70Val)

Gene: ARID1A (AT-rich interaction domain 1A; plus strand). Cytogenetic location: 1p36.11.
Variant type: single nucleotide variant.
Coding change: c.209G>T on transcript NM_006015.6 (MANE Select); coding-DNA position 209, G replaced by T.
Protein change: p.Gly70Val; replaces glycine 70 with valine.
Molecular consequence: missense variant.
Genome position (GRCh38, 1-based): chr1:26,696,612, G>T. VCF-style: chr1-26696612-G-T. GRCh37 (hg19) VCF-style: chr1-27023103-G-T.
Other names: c.209G>T, p.Gly70Val (NM_139135.4); short protein forms G70V.
Identifiers: ClinVar variation 1487863 (VCV001487863.6), dbSNP rs1272836153, ClinGen allele CA339264630.